The following is an entry in ClinVar:

ClinVar aggregate classification (germline): Uncertain significance (1 of 4 stars; one submission).

Allele frequency attached by ClinVar (database versions not stated): gnomAD exomes 0.00001.
gnomAD v4.1: 16 of 1,613,360 alleles (0.00099%); highest among the groups gnomAD compares: Non-Finnish European, 0.0013%; no homozygotes.

Submission:

Labcorp Genetics (formerly Invitae), Labcorp
Classification: Uncertain significance. Last evaluated: 2023-12-19. Review status: criteria provided, single submitter. Criteria: Invitae Variant Classification Sherloc (09022015). Collection method: clinical testing. Allele origin: germline.
Comment: This sequence change replaces alanine, which is neutral and non-polar, with valine, which is neutral and non-polar, at codon 1117 of the PCDH15 protein (p.Ala1117Val). This variant is not present in population databases (gnomAD no frequency). This variant has not been reported in the literature in individuals affected with PCDH15-related conditions. ClinVar contains an entry for this variant (Variation ID: 2162212). Advanced modeling of protein sequence and biophysical properties (such as structural, functional, and spatial information, amino acid conservation, physicochemical variation, residue mobility, and thermodynamic stability) performed at Invitae indicates that this missense variant is not expected to disrupt PCDH15 protein function with a negative predictive value of 80%. In summary, the available evidence is currently insufficient to determine the role of this variant in disease. Therefore, it has been classified as a Variant of Uncertain Significance.

NM_001384140.1(PCDH15):c.3350C>T (p.Ala1117Val)

Gene: PCDH15 (protocadherin related 15; minus strand). Cytogenetic location: 10q21.1.
Variant type: single nucleotide variant.
Coding change: c.3350C>T on transcript NM_001384140.1 (MANE Select); coding-DNA position 3350, C replaced by T.
Protein change: p.Ala1117Val; replaces alanine 1117 with valine.
Molecular consequence: missense variant.
Genome position (GRCh38, 1-based): chr10:53,938,838, G>A on the plus strand (C>T on the coding strand, the complement: PCDH15 is on the minus strand). VCF-style: chr10-53938838-G-A. GRCh37 (hg19) VCF-style: chr10-55698598-G-A.
Other names: c.3365C>T, p.Ala1122Val (NM_001142763.2, NM_001142771.2); c.3350C>T, p.Ala1117Val (NM_001142764.2, NM_001142766.2, NM_001142770.3 and 4 more transcripts); c.3137C>T, p.Ala1046Val (NM_001142765.2); c.3239C>T, p.Ala1080Val (NM_001142767.2); c.3284C>T, p.Ala1095Val (NM_001142768.2, NM_001142773.2, NM_001354404.2); c.3386C>T, p.Ala1129Val (NM_001142769.4); c.3371C>T, p.Ala1124Val (NM_001354411.2); short protein forms A1046V, A1117V, A1095V, A1129V, A1080V, A1122V, A1124V.
Identifiers: ClinVar variation 2162212 (VCV002162212.2), dbSNP rs2085801192, ClinGen allele CA376515963.